The following is an entry in ClinVar:

NM_001040167.2(LFNG):c.1036G>C (p.Val346Leu)

Gene: LFNG (LFNG O-fucosylpeptide 3-beta-N-acetylglucosaminyltransferase; plus strand). Cytogenetic location: 7p22.3.
Variant type: single nucleotide variant.
Coding change: c.1036G>C on transcript NM_001040167.2 (MANE Select); coding-DNA position 1036, G replaced by C.
Protein change: p.Val346Leu; replaces valine 346 with leucine.
Molecular consequence: missense variant.
Genome position (GRCh38, 1-based): chr7:2,526,884, G>C. VCF-style: chr7-2526884-G-C. GRCh37 (hg19) VCF-style: chr7-2566518-G-C.
Other names: c.1036G>C, p.Val346Leu (NM_001040168.2); c.823G>C, p.Val275Leu (NM_001166355.2); c.649G>C, p.Val217Leu (NM_002304.3); short protein forms V346L, V217L, V275L.
Identifiers: ClinVar variation 498512 (VCV000498512.19), dbSNP rs71647813, ClinGen allele CA4127261.

ClinVar aggregate classification (germline): Conflicting classifications of pathogenicity. Review status: criteria provided, conflicting classifications (1 of 4 stars). 4 submissions from 4 submitters: Uncertain significance (2); Likely benign (2). Last evaluated 2026-01-06.

Conditions:
LFNG-related disorder. Also called: LFNG-related condition.
Inborn genetic diseases. Identifiers: MedGen C0950123, MeSH D030342.
Spondylocostal dysostosis 3, autosomal recessive (SCDO3). Also called: LFNG-Related Spondylocostal Dysostosis, Autosomal Recessive. Identifiers: Orphanet 2311, MedGen C1853296, MONDO:0012349, OMIM 609813.

Allele frequency attached by ClinVar (database versions not stated): 1000 Genomes Project 30x 0.00031; TOPMed 0.00093.
gnomAD v4.1: 201 of 1,612,590 alleles (0.012%); highest among the groups gnomAD compares: African/African-American, 0.25%; no homozygotes.

Submissions (4):

Labcorp Genetics (formerly Invitae), Labcorp
Classification: Likely benign for Spondylocostal dysostosis 3, autosomal recessive. Last evaluated: 2026-01-06. Review status: criteria provided, single submitter. Criteria: Invitae Variant Classification Sherloc (09022015). Collection method: clinical testing. Allele origin: germline.

PreventionGenetics, part of Exact Sciences
Classification: Likely benign for LFNG-related condition. Last evaluated: 2025-06-23. Review status: criteria provided, single submitter. Criteria: ACMG Guidelines, 2015. Collection method: clinical testing. Allele origin: germline.
Comment: This variant is classified as likely benign based on ACMG/AMP sequence variant interpretation guidelines (Richards et al. 2015 PMID: 25741868, with internal and published modifications).

Ambry Genetics
Classification: Uncertain significance for Inborn genetic diseases. Last evaluated: 2024-07-07. Review status: criteria provided, single submitter. Criteria: Ambry Variant Classification Scheme 2023. Collection method: clinical testing. Allele origin: germline.

Eurofins Ntd Llc (ga)
Classification: Uncertain significance. Last evaluated: 2016-11-23. Review status: criteria provided, single submitter. Criteria: EGL Classification Definitions 2015. Collection method: clinical testing. Allele origin: germline. Observed: 1 variant allele, 1 heterozygote.